The following is an entry in ClinVar:

NM_013451.4(MYOF):c.1608G>A (p.Arg536=)

Gene: MYOF (myoferlin; minus strand). Cytogenetic location: 10q23.33.
Variant type: single nucleotide variant.
Coding change: c.1608G>A on transcript NM_013451.4 (MANE Select); coding-DNA position 1608, G replaced by A.
Protein change: p.Arg536=; no amino-acid change (arginine 536 retained).
Molecular consequence: synonymous variant.
Genome position (GRCh38, 1-based): chr10:93,387,887, C>T on the plus strand (G>A on the coding strand, the complement: MYOF is on the minus strand). VCF-style: chr10-93387887-C-T. GRCh37 (hg19) VCF-style: chr10-95147644-C-T.
Other names: c.1569G>A, p.Arg523= (NM_133337.3); c.1608G>A (NM_013451.3).
Identifiers: ClinVar variation 2640696 (VCV002640696.25), dbSNP rs202052471, ClinGen allele CA5608129.

ClinVar aggregate classification (germline): Likely benign. Review status: criteria provided, single submitter (1 of 4 stars). 2 submissions from 2 submitters: Likely benign (1). 1 of the submissions does not count toward it. Last evaluated 2022-10-01.

Conditions:
MYOF-related disorder. Also called: MYOF-related condition.

Allele frequency attached by ClinVar (database versions not stated): 1000 Genomes Project 30x 0.00016; 1000 Genomes Project 0.00020; ExAC 0.00060; TOPMed 0.00062; gnomAD 0.00066; gnomAD exomes 0.00082; ESP Exome Variant Server 0.00092.
gnomAD v4.1: 1,296 of 1,614,088 alleles (0.08%); highest among the groups gnomAD compares: Admixed American, 0.12%; 3 homozygotes.

Submissions (2):

CeGaT Center for Human Genetics Tuebingen
Classification: Likely benign. Last evaluated: 2022-10-01. Review status: criteria provided, single submitter. Criteria: CeGaT Center For Human Genetics Tuebingen Variant Classification Criteria Version 2. Collection method: clinical testing. Allele origin: germline. Affected: yes. Observed: 1 variant allele.
Comment: MYOF: BP4, BP7

PreventionGenetics, part of Exact Sciences
Classification: Likely benign for MYOF-related condition. Last evaluated: 2019-06-06. Review status: no assertion criteria provided. Collection method: clinical testing. Allele origin: germline. Not counted in ClinVar's aggregate classification.
Comment: This variant is classified as likely benign based on ACMG/AMP sequence variant interpretation guidelines (Richards et al. 2015 PMID: 25741868, with internal and published modifications).